The following is an entry in ClinVar:

NM_201384.3(PLEC):c.2826C>G (p.Asp942Glu)

Gene: PLEC (plectin; minus strand). Cytogenetic location: 8q24.3.
Variant type: single nucleotide variant.
Coding change: c.2826C>G on transcript NM_201384.3 (MANE Select); coding-DNA position 2826, C replaced by G.
Protein change: p.Asp942Glu; replaces aspartic acid 942 with glutamic acid.
Molecular consequence: missense variant.
Genome position (GRCh38, 1-based): chr8:143,929,743, G>C on the plus strand (C>G on the coding strand, the complement: PLEC is on the minus strand). VCF-style: chr8-143929743-G-C. GRCh37 (hg19) VCF-style: chr8-145003911-G-C.
Other names: c.2907C>G, p.Asp969Glu (NM_000445.5, NM_001410941.1); c.2784C>G, p.Asp928Glu (NM_201378.4); c.2760C>G, p.Asp920Glu (NM_201379.3); c.3237C>G, p.Asp1079Glu (NM_201380.4); c.2730C>G, p.Asp910Glu (NM_201381.3); c.2826C>G, p.Asp942Glu (NM_201382.4); c.2838C>G, p.Asp946Glu (NM_201383.3); short protein forms D920E, D942E, D1079E, D946E, D928E, D910E, D969E.
Identifiers: ClinVar variation 1961842 (VCV001961842.5), dbSNP rs782158467, ClinGen allele CA372571168.

ClinVar aggregate classification (germline): Uncertain significance (1 of 4 stars; one submission).

Conditions:
Epidermolysis bullosa simplex 5B, with muscular dystrophy (EBS5B). Also called: Epidermolysis bullosa simplex with muscular dystrophy; EPIDERMOLYSIS BULLOSA SIMPLEX AND LIMB-GIRDLE MUSCULAR DYSTROPHY. Identifiers: Orphanet 257, MedGen C2931072, MONDO:0009181, OMIM 226670.
Epidermolysis bullosa simplex, Ogna type (EBS5A). Also called: Pidermolysis bullosa simplex 5A, Ogna type; EPIDERMOLYSIS BULLOSA SIMPLEX 5A, OGNA TYPE. Identifiers: Orphanet 79401, MedGen C0432317, MONDO:0007555, OMIM 131950.
Epidermolysis bullosa simplex with nail dystrophy (EBS5D). Identifiers: MedGen C4225309, MONDO:0014661, OMIM 616487.
Epidermolysis bullosa simplex 5C, with pyloric atresia (EBS5C). Also called: PLEC1-Related Epidermolysis Bullosa with Pyloric Atresia; PLEC-Related Epidermolysis Bullosa with Pyloric Atresia; Epidermolysis bullosa simplex with pyloric atresia. Identifiers: Orphanet 158684, MedGen C2677349, MONDO:0012807, OMIM 612138.
Autosomal recessive limb-girdle muscular dystrophy type 2Q (LGMDR17). Also called: MUSCULAR DYSTROPHY, LIMB-GIRDLE, AUTOSOMAL RECESSIVE 17. Identifiers: Orphanet 254361, MedGen C3150989, MONDO:0013390, OMIM 613723.

gnomAD v4.1: 1 of 1,599,634 alleles (0.000063%); highest among the groups gnomAD compares: Admixed American, 0.0017%; no homozygotes.

Submission:

Labcorp Genetics (formerly Invitae), Labcorp
Classification: Uncertain significance for Autosomal recessive limb-girdle muscular dystrophy type 2Q; Epidermolysis bullosa simplex, Ogna type; Epidermolysis bullosa simplex with nail dystrophy; Epidermolysis bullosa simplex 5C, with pyloric atresia; Epidermolysis bullosa simplex 5B, with muscular dystrophy. Last evaluated: 2022-07-21. Review status: criteria provided, single submitter. Criteria: Invitae Variant Classification Sherloc (09022015). Collection method: clinical testing. Allele origin: germline.
Comment: In summary, the available evidence is currently insufficient to determine the role of this variant in disease. Therefore, it has been classified as a Variant of Uncertain Significance. Algorithms developed to predict the effect of missense changes on protein structure and function are either unavailable or do not agree on the potential impact of this missense change (SIFT: "Deleterious"; PolyPhen-2: "Not Available"; Align-GVGD: "Class C35"). This variant has not been reported in the literature in individuals affected with PLEC-related conditions. This variant is not present in population databases (gnomAD no frequency). This sequence change replaces aspartic acid, which is acidic and polar, with glutamic acid, which is acidic and polar, at codon 969 of the PLEC protein (p.Asp969Glu).